The following is an entry in ClinVar:

NM_000420.3(KEL):c.1481A>T (p.Glu494Val)

Gene: KEL (Kell metallo-endopeptidase (Kell blood group); minus strand). Cytogenetic location: 7q34.
Variant type: single nucleotide variant.
Coding change: c.1481A>T on transcript NM_000420.3 (MANE Select); coding-DNA position 1481, A replaced by T.
Protein change: p.Glu494Val; replaces glutamic acid 494 with valine.
Molecular consequence: missense variant.
Genome position (GRCh38, 1-based): chr7:142,944,333, T>A on the plus strand (A>T on the coding strand, the complement: KEL is on the minus strand). VCF-style: chr7-142944333-T-A. GRCh37 (hg19) VCF-style: chr7-142641420-T-A.
Other names: short protein forms E494V.
Identifiers: ClinVar variation 3035664 (VCV003035664.2), dbSNP rs61729032, ClinGen allele CA4534219.

ClinVar aggregate classification (germline): Likely benign (0 of 4 stars; one submission).

Conditions:
KEL-related disorder. Also called: KEL-related condition.

Allele frequency attached by ClinVar (database versions not stated): TOPMed 0.00042; gnomAD exomes 0.00069; gnomAD 0.00120; ExAC 0.00175; 1000 Genomes Project 30x 0.00187; 1000 Genomes Project 0.00220.
gnomAD v4.1: 1,206 of 1,613,748 alleles (0.075%); highest among the groups gnomAD compares: East Asian, 0.54%; 8 homozygotes.

Submission:

PreventionGenetics, part of Exact Sciences
Classification: Likely benign for KEL-related condition. Last evaluated: 2019-08-12. Review status: no assertion criteria provided. Collection method: clinical testing. Allele origin: germline.
Comment: This variant is classified as likely benign based on ACMG/AMP sequence variant interpretation guidelines (Richards et al. 2015 PMID: 25741868, with internal and published modifications).